The following is an entry in ClinVar:

NM_000059.4(BRCA2):c.6469C>T (p.Gln2157Ter)

Gene: BRCA2 (BRCA2 DNA repair associated; plus strand). Cytogenetic location: 13q13.1.
Variant type: single nucleotide variant.
Coding change: c.6469C>T on transcript NM_000059.4 (MANE Select); coding-DNA position 6469, C replaced by T.
Protein change: p.Gln2157Ter; replaces glutamine 2157 with a stop codon.
Molecular consequence: nonsense.
Genome position (GRCh38, 1-based): chr13:32,340,824, C>T. VCF-style: chr13-32340824-C-T. GRCh37 (hg19) VCF-style: chr13-32914961-C-T.
Other names: short protein forms Q2157*.
Identifiers: ClinVar variation 52112 (VCV000052112.24), dbSNP rs397507859, ClinGen allele CA024090.

ClinVar aggregate classification (germline): Pathogenic. Review status: reviewed by expert panel (3 of 4 stars). 8 submissions from 8 submitters: Pathogenic (1). 7 of the submissions do not count toward it. Last evaluated 2016-09-08.

Conditions:
Hereditary breast ovarian cancer syndrome. Also called: Hereditary breast and ovarian cancer syndrome; Hereditary breast and ovarian cancer; Hereditary breast and ovarian cancer syndrome (HBOC); Breast and ovarian cancer; Hereditary breast and/or ovarian cancer syndrome; BRCA1- and BRCA2-Associated Hereditary Breast and Ovarian Cancer. Identifiers: Orphanet 145, MedGen C0677776, MeSH D061325, MONDO:0003582. Disease mechanism: loss of function.
Hereditary cancer-predisposing syndrome. Also called: Neoplastic Syndromes, Hereditary; Tumor predisposition; Hereditary neoplastic syndrome; Hereditary Cancer Syndrome. Identifiers: Orphanet 140162, MedGen C0027672, MeSH D009386, MONDO:0015356.
Breast carcinoma. Also called: Carcinoma of breast. Identifiers: MedGen C0678222, MONDO:0004989, HP:0003002.
Breast-ovarian cancer, familial, susceptibility to, 2 (BROVCA2). Also called: BRCA2 Hereditary Breast and Ovarian Cancer. Identifiers: Orphanet 145, MedGen C2675520, MONDO:0012933, OMIM 612555. Disease mechanism: loss of function.

gnomAD v4.1: 1 of 1,589,328 alleles (0.000063%); highest among the groups gnomAD compares: Non-Finnish European, 0.000085%; no homozygotes.

Submissions (8):

Evidence-based Network for the Interpretation of Germline Mutant Alleles (ENIGMA)
Classification: Pathogenic for Breast-ovarian cancer, familial, susceptibility to, 2. Last evaluated: 2016-09-08. Review status: reviewed by expert panel. Criteria: ENIGMA BRCA1/2 Classification Criteria (2015). Collection method: curation. Allele origin: germline.
Comment: Variant allele predicted to encode a truncated non-functional protein.

Labcorp Genetics (formerly Invitae), Labcorp
Classification: Pathogenic for Hereditary breast ovarian cancer syndrome. Last evaluated: 2025-02-12. Review status: criteria provided, single submitter. Criteria: Invitae Variant Classification Sherloc (09022015). Collection method: clinical testing. Allele origin: germline. Not counted in ClinVar's aggregate classification.
Comment: This sequence change creates a premature translational stop signal (p.Gln2157*) in the BRCA2 gene. It is expected to result in an absent or disrupted protein product. Loss-of-function variants in BRCA2 are known to be pathogenic (PMID: 20104584). This variant is not present in population databases (gnomAD no frequency). This premature translational stop signal has been observed in individual(s) with a personal and/or family history of breast or ovarian cancer (PMID: 20373018, 28724667, 29446198, 30702160). ClinVar contains an entry for this variant (Variation ID: 52112). For these reasons, this variant has been classified as Pathogenic.

Color Diagnostics, LLC DBA Color Health
Classification: Pathogenic for Hereditary cancer-predisposing syndrome. Last evaluated: 2024-03-18. Review status: criteria provided, single submitter. Criteria: ACMG Guidelines, 2015. Collection method: clinical testing. Allele origin: germline. Not counted in ClinVar's aggregate classification.
Comment: This variant changes 1 nucleotide in exon 11 of the BRCA2 gene, creating a premature translation stop signal. This variant is expected to result in an absent or non-functional protein product. This variant has been reported in individuals affected with breast and/or ovarian cancer (PMID: 33573335, 31336956, 28724667, 27836010, 27062684, 20373018) and has been identified in 3 families among the CIMBA participants (PMID: 29446198). Some of these individuals also carried a pathogenic variant in the BRCA1 gene, which could explain the observed phenotype (PMID: 20373018, 31336956). This variant has not been identified in the general population by the Genome Aggregation Database (gnomAD). Loss of BRCA2 function is a known mechanism of disease. Based on the available evidence, this variant is classified as Pathogenic.

Ambry Genetics
Classification: Pathogenic for Hereditary cancer-predisposing syndrome. Last evaluated: 2023-12-06. Review status: criteria provided, single submitter. Criteria: Ambry Variant Classification Scheme 2023. Collection method: clinical testing. Allele origin: germline. Not counted in ClinVar's aggregate classification.
Comment: The p.Q2157* pathogenic mutation (also known as c.6469C>T), located in coding exon 10 of the BRCA2 gene, results from a C to T substitution at nucleotide position 6469. This changes the amino acid from a glutamine to a stop codon within coding exon 10. This alteration (designated as 6697C>T) has been reported to co-occur with a BRCA1 mutation (Zuradelli M et al. Breast Cancer Res. Treat., 2010 Nov;124:251-8). This alteration was also detected in a cohort of 8085 consecutive unselected Chinese breast cancer patients who underwent multi-gene panel testing (Sun J et al. Clin. Cancer Res., 2017 Oct;23:6113-6119). In addition to the clinical data presented in the literature, this alteration is expected to result in loss of function by premature protein truncation or nonsense-mediated mRNA decay. As such, this alteration is interpreted as a disease-causing mutation.

ARUP Laboratories, Molecular Genetics and Genomics, ARUP Laboratories
Classification: Pathogenic. Last evaluated: 2022-04-06. Review status: criteria provided, single submitter. Criteria: ARUP Molecular Germline Variant Investigation Process 2021. Collection method: clinical testing. Allele origin: germline. Not counted in ClinVar's aggregate classification.
Comment: The BRCA2 c.6469C>T; p.Gln2157Ter variant (rs397507859) is reported in the literatures in individuals and families affected with hereditary breast and/or ovarian cancer (Bhaskaran 2019, Rebbeck 2016, Rebbeck 2018, Sun 2017). It is reported by multiple laboratories in ClinVar (Variation ID: 52112), and is classified as pathogenic by the evidence-based network for the interpretation of germline mutant alleles (ENIGMA) expert panel (see link to ENIGMA consortium classification criteria). This variant is also absent from the Genome Aggregation Database, indicating it is not a common polymorphism. This variant induces an early termination codon and is predicted to result in a truncated protein or mRNA subject to nonsense-mediated decay. Based on available information, this variant is considered to be pathogenic. REFERENCES Link to ENIGMA: Bhaskaran et al. Germline variation in BRCA1/2 is highly ethnic-specific: Evidence from over 30,000 Chinese hereditary breast and ovarian cancer patients. Int J Cancer. 2019 Aug 15; 145(4): 962–973. PMID: 30702160. Rebbeck et al. Inheritance of deleterious mutations at both BRCA1 and BRCA2 in an international sample of 32,295 women. Breast Cancer Res. 2016 Nov 11;18(1):112. PMID: 27836010. Rebbeck et al. Mutational Spectrum in a Worldwide Study of 29,700 Families with BRCA1 or BRCA2 Mutations. Hum Mutat. 2018 May; 39(5): 593–620.cPMID: 29446198. Sun et al. Germline Mutations in Cancer Susceptibility Genes in a Large Series of Unselected Breast Cancer Patients. Clin Cancer Res. 2017 Oct 15;23(20):6113-6119. PMID: 28724667.

GeneDx
Classification: Pathogenic. Last evaluated: 2017-01-12. Review status: criteria provided, single submitter. Criteria: GeneDx Variant Classification (06012015). Collection method: clinical testing. Allele origin: germline. Affected: yes. Not counted in ClinVar's aggregate classification.
Comment: This variant is denoted BRCA2 c.6469C>T at the cDNA level and p.Gln2157Ter (Q2157X) at the protein level. The substitution creates a nonsense variant, which changes a Glutamine to a premature stop codon (CAA>TAA), and is predicted to cause loss of normal protein function through either protein truncation or nonsense-mediated mRNA decay. This variant, also denoted BRCA2 6697C>T using alternate nomenclature, has been reported in association with hereditary breast/ovarian cancer and is considered pathogenic (Zuradelli 2010).

Consortium of Investigators of Modifiers of BRCA1/2 (CIMBA), c/o University of Cambridge
Classification: Pathogenic for Breast-ovarian cancer, familial, susceptibility to, 2. Last evaluated: 2015-10-02. Review status: criteria provided, single submitter. Criteria: CIMBA Mutation Classification guidelines May 2016. Collection method: clinical testing. Allele origin: germline. Not counted in ClinVar's aggregate classification.

Medical Genetics Laboratory, Umraniye Training and Research Hospital, University of Health Sciences
Classification: Pathogenic for Breast carcinoma. Last evaluated: 2021-09-11. Review status: no assertion criteria provided. Collection method: clinical testing. Allele origin: germline. Inheritance: Autosomal dominant inheritance. Affected: yes. Observed: 1 heterozygote. Not counted in ClinVar's aggregate classification.

Literature cited by the submitters: PubMed 20104584 (cited by Labcorp Genetics (formerly Invitae), Labcorp); PubMed 20373018 (cited by 3 submitters); PubMed 28724667 (cited by 3 submitters); PubMed 29446198 (cited by 3 submitters); PubMed 30702160 (cited by Labcorp Genetics (formerly Invitae), Labcorp and Ambry Genetics); PubMed 27062684 (cited by Color Diagnostics, LLC DBA Color Health and Ambry Genetics); PubMed 27836010 (cited by Color Diagnostics, LLC DBA Color Health and Ambry Genetics); PubMed 31336956 (cited by Color Diagnostics, LLC DBA Color Health); PubMed 33573335 (cited by Color Diagnostics, LLC DBA Color Health).